The following is an entry in ClinVar:

NM_001298.3(CNGA3):c.519C>T (p.Thr173=)

Gene: CNGA3 (cyclic nucleotide gated channel subunit alpha 3; plus strand). Cytogenetic location: 2q11.2.
Variant type: single nucleotide variant.
Coding change: c.519C>T on transcript NM_001298.3 (MANE Select); coding-DNA position 519, C replaced by T.
Protein change: p.Thr173=; no amino-acid change (threonine 173 retained).
Molecular consequence: synonymous variant.
Genome position (GRCh38, 1-based): chr2:98,389,727, C>T. VCF-style: chr2-98389727-C-T. GRCh37 (hg19) VCF-style: chr2-99006190-C-T.
Other names: c.519C>T (NM_001298.2); c.465C>T, p.Thr155= (NM_001079878.2).
Identifiers: ClinVar variation 1109228 (VCV001109228.11), dbSNP rs763964348, ClinGen allele CA1793780.

ClinVar aggregate classification (germline): Likely benign. Review status: criteria provided, multiple submitters, no conflicts (2 of 4 stars). 3 submissions from 3 submitters: Likely benign (3). Last evaluated 2026-03-09.

Conditions:
CNGA3-related disorder. Also called: CNGA3-related condition.

Allele frequency attached by ClinVar (database versions not stated): gnomAD 0.00003; TOPMed 0.00003; gnomAD exomes 0.00004; ExAC 0.00007.
gnomAD v4.1: 46 of 1,613,518 alleles (0.0029%); highest among the groups gnomAD compares: Middle Eastern, 0.018%; no homozygotes.

Submissions (3):

PreventionGenetics, part of Exact Sciences
Classification: Likely benign for CNGA3-related condition. Last evaluated: 2026-03-09. Review status: criteria provided, single submitter. Criteria: ACMG Guidelines, 2015. Collection method: clinical testing. Allele origin: germline.
Comment: This variant is classified as likely benign based on ACMG/AMP sequence variant interpretation guidelines (Richards et al. 2015 PMID: 25741868, with internal and published modifications).

Labcorp Genetics (formerly Invitae), Labcorp
Classification: Likely benign. Last evaluated: 2025-11-04. Review status: criteria provided, single submitter. Criteria: Invitae Variant Classification Sherloc (09022015). Collection method: clinical testing. Allele origin: germline.

Blueprint Genetics
Classification: Likely benign. Last evaluated: 2024-08-07. Review status: criteria provided, single submitter. Criteria: ACMG Guidelines, 2015. Collection method: clinical testing. Allele origin: germline.